The following is an entry in ClinVar:

ClinVar aggregate classification (germline): Uncertain significance (1 of 4 stars; one submission).

Submission:

GeneDx
Classification: Uncertain significance. Last evaluated: 2025-02-19. Review status: criteria provided, single submitter. Criteria: GeneDx Variant Classification Process June 2021. Collection method: clinical testing. Allele origin: germline.
Comment: Not observed at significant frequency in large population cohorts (gnomAD); In silico analysis indicates that this missense variant does not alter protein structure/function; Has not been previously published as pathogenic or benign to our knowledge

NM_001374828.1(ARID1B):c.824T>A (p.Met275Lys)

Genes: ARID1B (AT-rich interaction domain 1B; plus strand), LOC115308161 (uncharacterized LOC115308161; minus strand), LOC129997525 (ATAC-STARR-seq lymphoblastoid silent region 17712; plus strand). Cytogenetic location: 6q25.3.
Variant type: single nucleotide variant.
Coding change: c.824T>A on transcript NM_001374828.1 (MANE Select); coding-DNA position 824, T replaced by A.
Protein change: p.Met275Lys; replaces methionine 275 with lysine.
Molecular consequence: missense variant. On other transcripts: non-coding transcript variant (1).
Genome position (GRCh38, 1-based): chr6:156,778,504, T>A. VCF-style: chr6-156778504-T-A. GRCh37 (hg19) VCF-style: chr6-157099638-T-A.
Other names: c.824T>A, p.Met275Lys (NM_001371656.1, NM_001374820.1, NM_017519.3); c.575T>A (NM_020732.3); short protein forms M275K.
Identifiers: ClinVar variation 3381704 (VCV003381704.2).